The following is an entry in ClinVar:

NM_031935.3(HMCN1):c.9437A>G (p.Asn3146Ser)

Gene: HMCN1 (hemicentin 1; plus strand). Cytogenetic location: 1q31.1.
Variant type: single nucleotide variant.
Coding change: c.9437A>G on transcript NM_031935.3 (MANE Select); coding-DNA position 9437, A replaced by G.
Protein change: p.Asn3146Ser; replaces asparagine 3146 with serine.
Molecular consequence: missense variant.
Genome position (GRCh38, 1-based): chr1:186,088,005, A>G. VCF-style: chr1-186088005-A-G. GRCh37 (hg19) VCF-style: chr1-186057137-A-G.
Other names: short protein forms N3146S.
Identifiers: ClinVar variation 1979105 (VCV001979105.4), dbSNP rs1424298263, ClinGen allele CA343921030.
Genomic context (GRCh38, chr1:186,088,005, plus strand): 5'-GCCAGTATGTATGTAGAGCTATAAATGTAGCAGGACGGGATGATAAAAATTTCCACCTCA[A>G]TGTATATGGTGAGCATTTGCCTCTAATACAACTCTTTTTCCCCTAGATATGCAAATGAAA-3'
Protein context (NP_114141.2, residues 3136-3156): AGRDDKNFHL[Asn3146Ser]VYVPPSIEGP

ClinVar aggregate classification (germline): Uncertain significance (1 of 4 stars; one submission).

Allele frequency attached by ClinVar (database versions not stated): TOPMed below 0.00001; gnomAD 0.00001.
gnomAD v4.1: 6 of 1,612,842 alleles (0.00037%); highest among the groups gnomAD compares: South Asian, 0.0022%; no homozygotes.

Submission:

Labcorp Genetics (formerly Invitae), Labcorp
Classification: Uncertain significance. Last evaluated: 2022-03-20. Review status: criteria provided, single submitter. Criteria: Invitae Variant Classification Sherloc (09022015). Collection method: clinical testing. Allele origin: germline.
Comment: This variant is present in population databases (no rsID available, gnomAD no frequency). This sequence change replaces asparagine, which is neutral and polar, with serine, which is neutral and polar, at codon 3146 of the HMCN1 protein (p.Asn3146Ser). This variant has not been reported in the literature in individuals affected with HMCN1-related conditions. In summary, the available evidence is currently insufficient to determine the role of this variant in disease. Therefore, it has been classified as a Variant of Uncertain Significance. Algorithms developed to predict the effect of missense changes on protein structure and function output the following: SIFT: "Deleterious"; PolyPhen-2: "Probably Damaging"; Align-GVGD: "Class C45". The serine amino acid residue is found in multiple mammalian species, which suggests that this missense change does not adversely affect protein function.